The following is an entry in ClinVar:

ClinVar aggregate classification (germline): Pathogenic (1 of 4 stars; one submission).

Conditions:
Cone-rod dystrophy 13 (CORD13). Identifiers: Orphanet 1872, MedGen C2750720, MONDO:0011987, OMIM 608194.
Leber congenital amaurosis 6 (LCA6). Identifiers: Orphanet 65, MedGen C1854260, MONDO:0013446, OMIM 613826.

Submission:

Labcorp Genetics (formerly Invitae), Labcorp
Classification: Pathogenic for Leber congenital amaurosis 6; Cone-rod dystrophy 13. Last evaluated: 2023-07-19. Review status: criteria provided, single submitter. Criteria: Invitae Variant Classification Sherloc (09022015). Collection method: clinical testing. Allele origin: germline.
Comment: This sequence change creates a premature translational stop signal (p.Arg363Leufs*11) in the RPGRIP1 gene. It is expected to result in an absent or disrupted protein product. Loss-of-function variants in RPGRIP1 are known to be pathogenic (PMID: 11528500, 23105016). For these reasons, this variant has been classified as Pathogenic. Algorithms developed to predict the effect of sequence changes on RNA splicing suggest that this variant may disrupt the consensus splice site. This variant is also known as c.1084_1087del, p.E362NAfs*12. This premature translational stop signal has been observed in individual(s) with clinical features of RPGRIP1-related conditions (PMID: 29343940, 30072743). This variant is present in population databases (rs768719934, gnomAD 0.003%).

Literature cited by the submitters: PubMed 11528500; PubMed 23105016; PubMed 29343940; PubMed 30072743.

NM_020366.4(RPGRIP1):c.1087_1090del (p.Arg363fs)

Gene: RPGRIP1 (RPGR interacting protein 1; plus strand). Cytogenetic location: 14q11.2.
Variant type: Microsatellite.
Coding change: c.1087_1090del on transcript NM_020366.4 (MANE Select); coding-DNA positions 1087 to 1090, 4 bases deleted (AGAG; older notation c.1087_1090delAGAG).
Protein change: p.Arg363fs; shifts the reading frame from arginine 363.
Molecular consequence: frameshift variant.
Genome position (GRCh38, 1-based): chr14:21,312,442-21,312,445, AGAG deleted; deleting any 4 consecutive bases within chr14:21,312,439-21,312,445 gives the same sequence; the c. name uses the placement nearest the transcript's 3' end. VCF-style (leftmost placement, unchanged base first): chr14-21312438-GGAGA-G. GRCh37 (hg19) VCF-style: chr14-21780597-GGAGA-G.
Other names: short protein forms R363fs.
Identifiers: ClinVar variation 2927210 (VCV002927210.3), dbSNP rs768719934, ClinGen allele CA7088866.